The following is an entry in ClinVar:

NM_018646.6(TRPV6):c.840T>C (p.Gly280=)

Gene: TRPV6 (transient receptor potential cation channel subfamily V member 6; minus strand). Cytogenetic location: 7q34.
Variant type: single nucleotide variant.
Coding change: c.840T>C on transcript NM_018646.6 (MANE Select); coding-DNA position 840, T replaced by C.
Protein change: p.Gly280=; no amino-acid change (glycine 280 retained).
Molecular consequence: synonymous variant.
Genome position (GRCh38, 1-based): chr7:142,876,450, A>G on the plus strand (T>C on the coding strand, the complement: TRPV6 is on the minus strand). VCF-style: chr7-142876450-A-G. GRCh37 (hg19) VCF-style: chr7-142574203-A-G.
Identifiers: ClinVar variation 3049576 (VCV003049576.2), dbSNP rs1174414422, ClinGen allele CA458539664.
Genomic context (GRCh38, chr7:142,876,450, plus strand): 5'-ATGGGGACCGTCTCTCACCACAGTGTTACCCTCCACTCCAGCCAGCTTGAAAGGGGTGAG[A>G]CCCTGGTGATTGGGCACGAGGTCCAGGGGCTGCAGGTGGTCCCCATGTCTGTCGTAGGAC-3'
Protein context (NP_061116.5, residues 270-290): QPLDLVPNHQ[Gly280=]LTPFKLAGVE

ClinVar aggregate classification (germline): Likely benign (0 of 4 stars; one submission).

Conditions:
TRPV6-related disorder. Also called: TRPV6-related condition.

Allele frequency attached by ClinVar (database versions not stated): TOPMed 0.00001; gnomAD 0.00002.

Submission:

PreventionGenetics, part of Exact Sciences
Classification: Likely benign for TRPV6-related condition. Last evaluated: 2019-07-21. Review status: no assertion criteria provided. Collection method: clinical testing. Allele origin: germline.
Comment: This variant is classified as likely benign based on ACMG/AMP sequence variant interpretation guidelines (Richards et al. 2015 PMID: 25741868, with internal and published modifications).